The following is an entry in ClinVar:

NM_001037333.3(CYFIP2):c.1499G>A (p.Arg500Gln)

Gene: CYFIP2 (cytoplasmic FMR1 interacting protein 2; plus strand). Cytogenetic location: 5q33.3.
Variant type: single nucleotide variant.
Coding change: c.1499G>A on transcript NM_001037333.3 (MANE Select); coding-DNA position 1499, G replaced by A.
Protein change: p.Arg500Gln; replaces arginine 500 with glutamine.
Molecular consequence: missense variant.
Genome position (GRCh38, 1-based): chr5:157,319,904, G>A. VCF-style: chr5-157319904-G-A. GRCh37 (hg19) VCF-style: chr5-156746912-G-A.
Other names: c.1421G>A, p.Arg474Gln (NM_001291721.2); c.1499G>A, p.Arg500Gln (NM_001291722.2, NM_014376.4); short protein forms R474Q, R500Q.
Identifiers: ClinVar variation 1513012 (VCV001513012.6), dbSNP rs2113101762, ClinGen allele CA361969093.

ClinVar aggregate classification (germline): Uncertain significance (1 of 4 stars; one submission).

Allele frequency attached by ClinVar (database versions not stated): gnomAD exomes below 0.00001.
gnomAD v4.1: 2 of 1,614,010 alleles (0.00012%); highest among the groups gnomAD compares: Non-Finnish European, 0.00017%; no homozygotes.

Submission:

Labcorp Genetics (formerly Invitae), Labcorp
Classification: Uncertain significance. Last evaluated: 2021-11-04. Review status: criteria provided, single submitter. Criteria: Invitae Variant Classification Sherloc (09022015). Collection method: clinical testing. Allele origin: germline.
Comment: This sequence change replaces arginine, which is basic and polar, with glutamine, which is neutral and polar, at codon 500 of the CYFIP2 protein (p.Arg500Gln). This variant is not present in population databases (gnomAD no frequency). This variant has not been reported in the literature in individuals affected with CYFIP2-related conditions. Algorithms developed to predict the effect of missense changes on protein structure and function are either unavailable or do not agree on the potential impact of this missense change (SIFT: "Tolerated"; PolyPhen-2: "Not Available"; Align-GVGD: "Class C0"). In summary, the available evidence is currently insufficient to determine the role of this variant in disease. Therefore, it has been classified as a Variant of Uncertain Significance.